The following is an entry in ClinVar:

ClinVar aggregate classification (germline): Uncertain significance. Review status: criteria provided, multiple submitters, no conflicts (2 of 4 stars). 2 submissions from 2 submitters: Uncertain significance (2). Last evaluated 2025-06-06.

Conditions:
Pachyonychia congenita 3 (PC3). Also called: KRT6A-Related Pachyonychia Congenita; PC-K6a. Identifiers: Orphanet 2309, MedGen C3714948, MONDO:0014324, OMIM 615726.

Allele frequency attached by ClinVar (database versions not stated): ExAC 0.00002; TOPMed 0.00004; gnomAD exomes 0.00006; gnomAD 0.00005.

Submissions (2):

Labcorp Genetics (formerly Invitae), Labcorp
Classification: Uncertain significance. Last evaluated: 2025-06-06. Review status: criteria provided, single submitter. Criteria: Invitae Variant Classification Sherloc (09022015). Collection method: clinical testing. Allele origin: germline.
Comment: This sequence change replaces arginine, which is basic and polar, with histidine, which is basic and polar, at codon 375 of the KRT6A protein (p.Arg375His). This variant is present in population databases (rs775710030, gnomAD 0.005%). This variant has not been reported in the literature in individuals affected with KRT6A-related conditions. ClinVar contains an entry for this variant (Variation ID: 2716296). Invitae Evidence Modeling of protein sequence and biophysical properties (such as structural, functional, and spatial information, amino acid conservation, physicochemical variation, residue mobility, and thermodynamic stability) indicates that this missense variant is not expected to disrupt KRT6A protein function with a negative predictive value of 95%. In summary, the available evidence is currently insufficient to determine the role of this variant in disease. Therefore, it has been classified as a Variant of Uncertain Significance.

Department of Pathology and Laboratory Medicine, Sinai Health System
Classification: Uncertain significance for Pachyonychia congenita 3. Last evaluated: 2023-09-01. Review status: criteria provided, single submitter. Criteria: ACMG Guidelines, 2015. Collection method: research. Allele origin: germline.

NM_005554.4(KRT6A):c.1124G>A (p.Arg375His)

Gene: KRT6A (keratin 6A; minus strand). Cytogenetic location: 12q13.13.
Variant type: single nucleotide variant.
Coding change: c.1124G>A on transcript NM_005554.4 (MANE Select); coding-DNA position 1124, G replaced by A.
Protein change: p.Arg375His; replaces arginine 375 with histidine.
Molecular consequence: missense variant.
Genome position (GRCh38, 1-based): chr12:52,490,022, C>T on the plus strand (G>A on the coding strand, the complement: KRT6A is on the minus strand). VCF-style: chr12-52490022-C-T. GRCh37 (hg19) VCF-style: chr12-52883806-C-T.
Other names: short protein forms R375H.
Identifiers: ClinVar variation 2716296 (VCV002716296.4), dbSNP rs775710030, ClinGen allele CA6581962.